The following is an entry in ClinVar:

NM_006892.4(DNMT3B):c.1126+15T>C

Gene: DNMT3B (DNA methyltransferase 3 beta; plus strand). Cytogenetic location: 20q11.21.
Variant type: single nucleotide variant.
Coding change: c.1126+15T>C on transcript NM_006892.4 (MANE Select); 15 bases into the intron after coding-DNA position 1126, T replaced by C.
Molecular consequence: intron variant.
Genome position (GRCh38, 1-based): chr20:32,793,610, T>C. VCF-style: chr20-32793610-T-C. GRCh37 (hg19) VCF-style: chr20-31381416-T-C.
Other names: c.1066+840T>C (NM_175848.2, NM_175849.2); c.940+840T>C (NM_001207055.2); c.838+840T>C (NM_001207056.2); c.1102+840T>C (NM_175850.3).
Identifiers: ClinVar variation 896156 (VCV000896156.12), dbSNP rs150368389, ClinGen allele CA9810422.

ClinVar aggregate classification (germline): Benign/Likely benign. Review status: criteria provided, multiple submitters, no conflicts (2 of 4 stars). 3 submissions from 3 submitters: Benign (1); Likely benign (2). Last evaluated 2026-01-28.

Conditions:
Immunodeficiency-centromeric instability-facial anomalies syndrome 1 (ICF1). Identifiers: Orphanet 2268, MedGen C4551557, MONDO:0009454, OMIM 242860.
Centromeric instability of chromosomes 1,9 and 16 and immunodeficiency (ICF1). Also called: Immunodeficiency-centromeric instability-facial anomalies; CENTROMERIC INSTABILITY, IMMUNODEFICIENCY SYNDROME; IMMUNE DEFICIENCY, VARIABLE, WITH CENTROMERIC INSTABILITY OF CHROMOSOMES 1, 9, AND 16; IMMUNODEFICIENCY SYNDROME, VARIABLE. Identifiers: Orphanet 2268, MedGen C0398788, MONDO:0000133.

Allele frequency attached by ClinVar (database versions not stated): gnomAD 0.00016 and 0.00026; TOPMed 0.00028; 1000 Genomes Project 30x 0.00109; 1000 Genomes Project 0.00140.
gnomAD v4.1: 330 of 1,613,776 alleles (0.02%); highest among the groups gnomAD compares: East Asian, 0.4%; 1 homozygote.

Submissions (3):

Labcorp Genetics (formerly Invitae), Labcorp
Classification: Benign for Centromeric instability of chromosomes 1,9 and 16 and immunodeficiency. Last evaluated: 2026-01-28. Review status: criteria provided, single submitter. Criteria: Invitae Variant Classification Sherloc (09022015). Collection method: clinical testing. Allele origin: germline.

Blueprint Genetics
Classification: Likely benign. Last evaluated: 2024-10-07. Review status: criteria provided, single submitter. Criteria: ACMG Guidelines, 2015. Collection method: clinical testing. Allele origin: germline.

Illumina Laboratory Services, Illumina
Classification: Likely benign for Immunodeficiency-centromeric instability-facial anomalies syndrome 1. Last evaluated: 2018-01-12. Review status: criteria provided, single submitter. Criteria: ICSL Variant Classification Criteria 13 December 2019. Collection method: clinical testing. Allele origin: germline.
Comment: This variant was observed in the ICSL laboratory as part of a predisposition screen in an ostensibly healthy population. It had not been previously curated by ICSL or reported in the Human Gene Mutation Database (HGMD: prior to June 1st, 2018), and was therefore a candidate for classification through an automated scoring system. Utilizing variant allele frequency, disease prevalence and penetrance estimates, and inheritance mode, an automated score was calculated to assess if this variant is too frequent to cause the disease. Based on the score and internal cut-off values, a variant classified as likely benign is not then subjected to further curation. The score for this variant resulted in a classification of likely benign for this disease.